The following is an entry in ClinVar:

ClinVar aggregate classification (germline): Uncertain significance (1 of 4 stars; one submission).

Allele frequency attached by ClinVar (database versions not stated): TOPMed 0.00001; gnomAD exomes below 0.00001; ExAC 0.00001.
gnomAD v4.1: 2 of 1,613,938 alleles (0.00012%); highest among the groups gnomAD compares: Non-Finnish European, 0.000085%; no homozygotes.

Submission:

Labcorp Genetics (formerly Invitae), Labcorp
Classification: Uncertain significance. Last evaluated: 2025-03-17. Review status: criteria provided, single submitter. Criteria: Invitae Variant Classification Sherloc (09022015). Collection method: clinical testing. Allele origin: germline.
Comment: This sequence change replaces proline, which is neutral and non-polar, with serine, which is neutral and polar, at codon 2374 of the VCAN protein (p.Pro2374Ser). This variant is present in population databases (rs767920303, gnomAD 0.003%). This variant has not been reported in the literature in individuals affected with VCAN-related conditions. ClinVar contains an entry for this variant (Variation ID: 2821639). An algorithm developed to predict the effect of missense changes on protein structure and function (PolyPhen-2) suggests that this variant is likely to be disruptive. In summary, the available evidence is currently insufficient to determine the role of this variant in disease. Therefore, it has been classified as a Variant of Uncertain Significance.

NM_004385.5(VCAN):c.7120C>T (p.Pro2374Ser)

Genes: VCAN (versican; plus strand), VCAN-AS1 (VCAN antisense RNA 1; minus strand). Cytogenetic location: 5q14.3.
Variant type: single nucleotide variant.
Coding change: c.7120C>T on transcript NM_004385.5 (MANE Select); coding-DNA position 7120, C replaced by T.
Protein change: p.Pro2374Ser; replaces proline 2374 with serine.
Molecular consequence: missense variant. On other transcripts: intron variant (2).
Genome position (GRCh38, 1-based): chr5:83,540,123, C>T. VCF-style: chr5-83540123-C-T. GRCh37 (hg19) VCF-style: chr5-82835942-C-T.
Other names: c.4159C>T, p.Pro1387Ser (NM_001164097.2); c.4004-5414C>T (NM_001164098.2); c.1043-5414C>T (NM_001126336.3); short protein forms P2374S, P1387S.
Identifiers: ClinVar variation 2821639 (VCV002821639.3), dbSNP rs767920303, ClinGen allele CA3333585.